The following is an entry in ClinVar:

NM_021939.4(FKBP10):c.1256+164G>A

Gene: FKBP10 (FKBP prolyl isomerase 10; plus strand). Cytogenetic location: 17q21.2.
Variant type: single nucleotide variant.
Coding change: c.1256+164G>A on transcript NM_021939.4 (MANE Select); 164 bases into the intron after coding-DNA position 1256, G replaced by A.
Molecular consequence: intron variant.
Genome position (GRCh38, 1-based): chr17:41,820,625, G>A. VCF-style: chr17-41820625-G-A. GRCh37 (hg19) VCF-style: chr17-39976877-G-A.
Identifiers: ClinVar variation 670006 (VCV000670006.2), dbSNP rs35114175, ClinGen allele CA14479292.

ClinVar aggregate classification (germline): Benign. Review status: criteria provided, multiple submitters, no conflicts (2 of 4 stars). 2 submissions from 2 submitters: Benign (2). Last evaluated 2018-06-14.

Allele frequency attached by ClinVar (database versions not stated): TOPMed 0.12433; 1000 Genomes Project 30x 0.12648; 1000 Genomes Project 0.13079; gnomAD 0.14730; gnomAD exomes 0.14870.
gnomAD v4.1: 110,927 of 763,754 alleles (15%); highest among the groups gnomAD compares: East Asian, 16%; 8,933 homozygotes.

Submissions (2):

GeneDx
Classification: Benign. Last evaluated: 2018-06-14. Review status: criteria provided, single submitter. Criteria: GeneDx Variant Classification (06012015). Collection method: clinical testing. Allele origin: germline. Affected: yes.
Comment: This variant is considered likely benign or benign based on one or more of the following criteria: it is a conservative change, it occurs at a poorly conserved position in the protein, it is predicted to be benign by multiple in silico algorithms, and/or has population frequency not consistent with disease.

Breakthrough Genomics
Classification: Benign. Review status: criteria provided, single submitter. Criteria: ACMG Guidelines, 2015. Collection method: not provided. Allele origin: germline. Inheritance: Autosomal recessive inheritance. Affected: yes.